The following is an entry in ClinVar:

ClinVar aggregate classification (germline): Pathogenic (1 of 4 stars; one submission).

Conditions:
Fanconi anemia (FA). Also called: Fanconi's anemia. Identifiers: Orphanet 84, MedGen C0015625, MeSH D005199, MONDO:0019391.

Submission:

Labcorp Genetics (formerly Invitae), Labcorp
Classification: Pathogenic for Fanconi anemia. Last evaluated: 2022-08-27. Review status: criteria provided, single submitter. Criteria: Invitae Variant Classification Sherloc (09022015). Collection method: clinical testing. Allele origin: germline.
Comment: For these reasons, this variant has been classified as Pathogenic. A similar copy number variant has been observed in individual(s) with clinical features of Fanconi anemia (PMID: 29702541, 30031030). This variant is a gross deletion of the genomic region encompassing exon(s) 1-18 of the FANCA gene, which includes the initiator codon. This deletion extends beyond the assayed region for this gene and therefore may encompass additional genes. It is expected to result in an absent or disrupted protein product. Loss-of-function variants in FANCA are known to be pathogenic (PMID: 19367192).

Literature cited by the submitters: PubMed 29702541; PubMed 30031030; PubMed 19367192.

NC_000016.9:g.(?_89846267)_(89883024_?)del

Gene: FANCA (FA complementation group A; minus strand). Cytogenetic location: 16q24.3.
Variant type: Deletion.
Identifiers: ClinVar variation 2422403 (VCV002422403.4).